The following is an entry in ClinVar:

ClinVar aggregate classification (germline): Uncertain significance. Review status: criteria provided, multiple submitters, no conflicts (2 of 4 stars). 2 submissions from 2 submitters: Uncertain significance (2). Last evaluated 2026-03-11.

Conditions:
Inborn genetic diseases. Identifiers: MedGen C0950123, MeSH D030342.
Aortic valve disease 2 (AOVD2). Identifiers: MedGen C3542024, MONDO:0013902, OMIM 614823.

Allele frequency attached by ClinVar (database versions not stated): gnomAD 0.00001.
gnomAD v4.1: 3 of 1,490,258 alleles (0.0002%); highest among the groups gnomAD compares: African/African-American, 0.0015%; no homozygotes.

Submissions (2):

Ambry Genetics
Classification: Uncertain significance for Inborn genetic diseases. Last evaluated: 2026-03-11. Review status: criteria provided, single submitter. Criteria: Ambry Variant Classification Scheme 2023. Collection method: clinical testing. Allele origin: germline.

Labcorp Genetics (formerly Invitae), Labcorp
Classification: Uncertain significance for Aortic valve disease 2. Last evaluated: 2025-07-20. Review status: criteria provided, single submitter. Criteria: Invitae Variant Classification Sherloc (09022015). Collection method: clinical testing. Allele origin: germline.
Comment: This sequence change replaces leucine, which is neutral and non-polar, with valine, which is neutral and non-polar, at codon 9 of the SMAD6 protein (p.Leu9Val). This variant is not present in population databases (gnomAD no frequency). This variant has not been reported in the literature in individuals affected with SMAD6-related conditions. ClinVar contains an entry for this variant (Variation ID: 2562569). An algorithm developed to predict the effect of missense changes on protein structure and function (PolyPhen-2) suggests that this variant is likely to be disruptive. In summary, the available evidence is currently insufficient to determine the role of this variant in disease. Therefore, it has been classified as a Variant of Uncertain Significance.

NM_005585.5(SMAD6):c.25C>G (p.Leu9Val)

Gene: SMAD6 (SMAD family member 6; plus strand). Cytogenetic location: 15q22.31.
Variant type: single nucleotide variant.
Coding change: c.25C>G on transcript NM_005585.5 (MANE Select); coding-DNA position 25, C replaced by G.
Protein change: p.Leu9Val; replaces leucine 9 with valine.
Molecular consequence: missense variant. On other transcripts: non-coding transcript variant (1).
Genome position (GRCh38, 1-based): chr15:66,703,283, C>G. VCF-style: chr15-66703283-C-G. GRCh37 (hg19) VCF-style: chr15-66995621-C-G.
Other names: short protein forms L9V.
Identifiers: ClinVar variation 2562569 (VCV002562569.6), dbSNP rs1055162146, ClinGen allele CA271682475.